The following is an entry in ClinVar:

ClinVar aggregate classification (germline): Uncertain significance. Review status: criteria provided, multiple submitters, no conflicts (2 of 4 stars). 2 submissions from 2 submitters: Uncertain significance (2). Last evaluated 2025-07-18.

Conditions:
SHORT syndrome. Also called: LIPODYSTROPHY, PARTIAL, WITH RIEGER ANOMALY AND SHORT STATURE; PIK3R1-Related SHORT Syndrome; SHORT STATURE, HYPEREXTENSIBILITY, HERNIA, OCULAR DEPRESSION, RIEGER ANOMALY, AND TEETHING DELAY. Identifiers: Orphanet 3163, MedGen C0878684, MONDO:0010026, OMIM 269880.
Agammaglobulinemia 7, autosomal recessive (AGM7). Also called: AGAMMAGLOBULINEMIA, AUTOSOMAL RECESSIVE, DUE TO PIK3R1 DEFECT. Identifiers: MedGen C3554689, MONDO:0014083, OMIM 615214.
Immunodeficiency 36 with lymphoproliferation. Also called: Immunodeficiency 36; ACTIVATED PI3K-DELTA SYNDROME 2; Activated PI3K Delta Syndrome Type 2 (APDS2). Identifiers: Orphanet 397596, Orphanet 693681, MedGen C4014934, MONDO:0014453, OMIM 616005.

Allele frequency attached by ClinVar (database versions not stated): gnomAD 0.00001; TOPMed 0.00001.
gnomAD v4.1: 2 of 1,613,060 alleles (0.00012%); highest among the groups gnomAD compares: African/African-American, 0.0013%; no homozygotes.

Submissions (2):

Clinical Genomics Laboratory, Washington University in St. Louis
Classification: Uncertain significance for SHORT syndrome. Last evaluated: 2025-07-18. Review status: criteria provided, single submitter. Criteria: ACMG Guidelines, 2015. Collection method: clinical testing. Allele origin: germline.
Comment: A PIK3R1 c.299G>C (p.Gly100Ala) variant was identified at a near heterozygous allelic fraction of 47.6%, a frequency which may be consistent with it being of germline origin. To our knowledge, it has not been reported in the medical literature. This variant has been reported in the ClinVar database as a germline variant of uncertain significance in SHORT syndrome by a single submitter (ClinVar ID: 2926915). This variant is only observed in 2/1,613,060 alleles in the general population (gnomAD v4.1.0), indicating it is not a common variant. Computational predictors suggest that the variant does not impact PIK3R1 function. Due to limited information, and based on ACMG/AMP guidelines for variant interpretation (Richards S et al., PMID: 25741868), the clinical significance of this variant is uncertain at this time.

Labcorp Genetics (formerly Invitae), Labcorp
Classification: Uncertain significance for SHORT syndrome; Immunodeficiency 36 with lymphoproliferation; Agammaglobulinemia 7, autosomal recessive. Last evaluated: 2023-06-05. Review status: criteria provided, single submitter. Criteria: Invitae Variant Classification Sherloc (09022015). Collection method: clinical testing. Allele origin: germline.
Comment: In summary, the available evidence is currently insufficient to determine the role of this variant in disease. Therefore, it has been classified as a Variant of Uncertain Significance. Advanced modeling of protein sequence and biophysical properties (such as structural, functional, and spatial information, amino acid conservation, physicochemical variation, residue mobility, and thermodynamic stability) performed at Invitae indicates that this missense variant is not expected to disrupt PIK3R1 protein function. This variant has not been reported in the literature in individuals affected with PIK3R1-related conditions. This variant is present in population databases (no rsID available, gnomAD 0.01%). This sequence change replaces glycine, which is neutral and non-polar, with alanine, which is neutral and non-polar, at codon 100 of the PIK3R1 protein (p.Gly100Ala).

NM_181523.3(PIK3R1):c.299G>C (p.Gly100Ala)

Gene: PIK3R1 (phosphoinositide-3-kinase regulatory subunit 1; plus strand). Cytogenetic location: 5q13.1.
Variant type: single nucleotide variant.
Coding change: c.299G>C on transcript NM_181523.3 (MANE Select); coding-DNA position 299, G replaced by C.
Protein change: p.Gly100Ala; replaces glycine 100 with alanine.
Molecular consequence: missense variant.
Genome position (GRCh38, 1-based): chr5:68,226,974, G>C. VCF-style: chr5-68226974-G-C. GRCh37 (hg19) VCF-style: chr5-67522802-G-C.
Other names: short protein forms G100A.
Identifiers: ClinVar variation 2926915 (VCV002926915.4), dbSNP rs374500644, ClinGen allele CA359979992.
Genomic context (GRCh38, chr5:68,226,974, plus strand): 5'-AAAAAATCTCGCCTCCCACACCAAAGCCCCGGCCACCTCGGCCTCTTCCTGTTGCACCAG[G>C]TTCTTCGAAAACTGAAGCAGATGTTGAACAACAAGGTCAGTATTGATAAGTGGTTGCTTA-3'
Protein context (NP_852664.1, residues 90-110): RPPRPLPVAP[Gly100Ala]SSKTEADVEQ